The following is an entry in ClinVar:

ClinVar aggregate classification (germline): Conflicting classifications of pathogenicity. Review status: criteria provided, conflicting classifications (1 of 4 stars). 5 submissions from 5 submitters: Uncertain significance (4); Likely benign (1). Last evaluated 2025-09-17.

Conditions:
NF1-related disorder. Also called: NF1-related condition. Identifiers: MedGen CN379171.
Cardiovascular phenotype. Identifiers: MedGen CN230736.
Hereditary cancer-predisposing syndrome. Also called: Hereditary neoplastic syndrome; Neoplastic Syndromes, Hereditary; Tumor predisposition; Hereditary Cancer Syndrome. Identifiers: Orphanet 140162, MedGen C0027672, MeSH D009386, MONDO:0015356.
Juvenile myelomonocytic leukemia (JMML). Also called: LEUKEMIA, JUVENILE MYELOMONOCYTIC, SOMATIC. Identifiers: Orphanet 86834, MedGen C0349639, MONDO:0011908, OMIM 607785, HP:0012209.
Neurofibromatosis-Noonan syndrome (NFNS). Also called: NEUROFIBROMATOSIS WITH NOONAN PHENOTYPE. Identifiers: Orphanet 638, MedGen C2931482, MONDO:0011035, OMIM 601321. Disease mechanism: loss of function.
Neurofibromatosis, familial spinal (FSNF). Identifiers: Orphanet 636, MedGen C1834235, MONDO:0008078, OMIM 162210. Disease mechanism: loss of function.
Neurofibromatosis, type 1 (NF1). Also called: VON RECKLINGHAUSEN DISEASE; Peripheral type neurofibromatosis; NEUROFIBROMATOSIS, TYPE I, SOMATIC; Neurofibromatosis, type I. Identifiers: Orphanet 636, MedGen C0027831, MONDO:0018975, OMIM 162200. Disease mechanism: loss of function.
Café-au-lait macules with pulmonary stenosis (WTSN). Also called: PULMONIC STENOSIS WITH CAFE-AU-LAIT SPOTS. Identifiers: MedGen C0553586, MONDO:0008672, OMIM 193520.

Allele frequency attached by ClinVar (database versions not stated): gnomAD exomes below 0.00001.
gnomAD v4.1: 4 of 1,613,890 alleles (0.00025%); highest among the groups gnomAD compares: Non-Finnish European, 0.00034%; no homozygotes.

Submissions (5):

Ambry Genetics
Classification: Uncertain significance for Cardiovascular phenotype; Hereditary cancer-predisposing syndrome. Last evaluated: 2025-09-17. Review status: criteria provided, single submitter. Criteria: Ambry Variant Classification Scheme 2023. Collection method: clinical testing. Allele origin: germline.
Comment: The p.R1375C variant (also known as c.4123C>T), located in coding exon 31 of the NF1 gene, results from a C to T substitution at nucleotide position 4123. The arginine at codon 1375 is replaced by cysteine, an amino acid with highly dissimilar properties. This amino acid position is highly conserved in available vertebrate species. In addition, this alteration is predicted to be deleterious by in silico analysis. Based on the available evidence, the clinical significance of this variant remains unclear.

Labcorp Genetics (formerly Invitae), Labcorp
Classification: Likely benign for Neurofibromatosis, type 1. Last evaluated: 2025-07-25. Review status: criteria provided, single submitter. Criteria: Invitae Variant Classification Sherloc (09022015). Collection method: clinical testing. Allele origin: germline.

PreventionGenetics, part of Exact Sciences
Classification: Uncertain significance for NF1-related condition. Last evaluated: 2023-08-29. Review status: criteria provided, single submitter. Criteria: ACMG Guidelines, 2015. Collection method: clinical testing. Allele origin: germline.
Comment: The NF1 c.4123C>T variant is predicted to result in the amino acid substitution p.Arg1375Cys. To our knowledge, this variant has not been reported in the literature or in a large population database, indicating this variant is rare. In ClinVar, this variant is interpreted as uncertain significance. At this time, the clinical significance of this variant is uncertain due to the absence of conclusive functional and genetic evidence.

Genome-Nilou Lab
Classification: Uncertain significance for Neurofibromatosis, type 1. Last evaluated: 2022-03-15. Review status: criteria provided, single submitter. Criteria: ACMG Guidelines, 2015. Collection method: clinical testing. Allele origin: germline. Affected: no.

Fulgent Genetics
Classification: Uncertain significance for Neurofibromatosis, type 1; Neurofibromatosis, familial spinal; Café-au-lait macules with pulmonary stenosis; Neurofibromatosis-Noonan syndrome; Juvenile myelomonocytic leukemia. Last evaluated: 2021-08-04. Review status: criteria provided, single submitter. Criteria: ACMG Guidelines, 2015. Collection method: clinical testing. Allele origin: unknown.

NM_001042492.3(NF1):c.4186C>T (p.Arg1396Cys)

Gene: NF1 (neurofibromin 1; plus strand). Cytogenetic location: 17q11.2.
Variant type: single nucleotide variant.
Coding change: c.4186C>T on transcript NM_001042492.3 (MANE Select); coding-DNA position 4186, C replaced by T.
Protein change: p.Arg1396Cys; replaces arginine 1396 with cysteine.
Molecular consequence: missense variant.
Genome position (GRCh38, 1-based): chr17:31,258,356, C>T. VCF-style: chr17-31258356-C-T. GRCh37 (hg19) VCF-style: chr17-29585374-C-T.
Other names: c.4123C>T, p.Arg1375Cys (NM_000267.4); short protein forms R1375C, R1396C.
Identifiers: ClinVar variation 484064 (VCV000484064.15), dbSNP rs1555618495, ClinGen allele CA398997547.